The following is an entry in ClinVar:

ClinVar aggregate classification (germline): Conflicting classifications of pathogenicity. Review status: criteria provided, conflicting classifications (1 of 4 stars). 3 submissions from 3 submitters: Uncertain significance (1); Likely benign (2). Last evaluated 2026-04-23.

Conditions:
PAX3-related disorder. Also called: PAX3-related condition.

Allele frequency attached by ClinVar (database versions not stated): gnomAD 0.00012 and 0.00014; gnomAD exomes 0.00014; ExAC 0.00016; TOPMed 0.00020.
gnomAD v4.1: 277 of 1,613,744 alleles (0.017%); highest among the groups gnomAD compares: East Asian, 0.038%; 2 homozygotes.

Submissions (3):

PreventionGenetics, part of Exact Sciences
Classification: Uncertain significance for PAX3-related condition. Last evaluated: 2026-04-23. Review status: criteria provided, single submitter. Criteria: ACMG Guidelines, 2015. Collection method: clinical testing. Allele origin: germline.
Comment: The PAX3 c.1202C>T variant is predicted to result in the amino acid substitution p.Ser401Leu. This variant is post-coding in the main transcript NM_181457:c.*510C>T. To our knowledge, this variant has not been reported in the literature. This variant is reported in 0.080% of alleles in individuals of East Asian descent in gnomAD. Although we suspect that this variant may be benign, at this time, the clinical significance of this variant is uncertain due to the absence of conclusive functional and genetic evidence.

Blueprint Genetics
Classification: Likely benign. Last evaluated: 2024-11-26. Review status: criteria provided, single submitter. Criteria: ACMG Guidelines, 2015. Collection method: clinical testing. Allele origin: germline.

Laboratory for Molecular Medicine, Mass General Brigham Personalized Medicine
Classification: Likely benign. Last evaluated: 2016-01-21. Review status: criteria provided, single submitter. Criteria: LMM Criteria. Collection method: clinical testing. Allele origin: germline. Observed: 1 variant allele.
Comment: c.1202C>T (p.Ser401Leu) in exon 8E of PAX3: This variant is not expected to hav e clinical significance. It is located in an alternate transcript (NM_181461.3) in which the variant nucleotide (T) is present in over 10 mammals, despite high conservation at the adjacent nucleotides. This variant is also translated to a silent variant in the major transcript (NM_001127366.2, c.1446C>T, p.Ile482Ile) , and it is in noncoding regions of other alternate transcripts (NM_000438.5, NM _013942.4, NM_181457.3). This variant has been identified in 0.1% (9/8612) of E ast Asian chromosomes by the Exome Aggregation Consortium (ExAC). In summary, this variant is likely benign due to the lack of nucleotide conservation and predicted impact on the gene function.

NM_181458.4(PAX3):c.1449C>T (p.Ile483=)

Gene: PAX3 (paired box 3; minus strand). Cytogenetic location: 2q36.1.
Variant type: single nucleotide variant.
Coding change: c.1449C>T on transcript NM_181458.4 (MANE Select); coding-DNA position 1449, C replaced by T.
Protein change: p.Ile483=; no amino-acid change (isoleucine 483 retained).
Molecular consequence: synonymous variant. On other transcripts: missense variant (2).
Genome position (GRCh38, 1-based): chr2:222,201,414, G>A on the plus strand (C>T on the coding strand, the complement: PAX3 is on the minus strand). VCF-style: chr2-222201414-G-A. GRCh37 (hg19) VCF-style: chr2-223066133-G-A.
Other names: c.1446C>T, p.Ile482= (NM_001127366.3); c.1449C>T, p.Ile483= (NM_181459.4); c.1202C>T, p.Ser401Leu (NM_181460.4, NM_181461.4); short protein forms S401L.
Identifiers: ClinVar variation 227834 (VCV000227834.7), dbSNP rs757964568, ClinGen allele CA2135402.